The following is an entry in ClinVar:

ClinVar aggregate classification (germline): Conflicting classifications of pathogenicity. Review status: criteria provided, conflicting classifications (1 of 4 stars). 3 submissions from 3 submitters: Pathogenic (1); Likely pathogenic (1); Uncertain significance (1). Last evaluated 2026-02-12.

Conditions:
Autosomal recessive nonsyndromic hearing loss 28. Identifiers: Orphanet 90636, MedGen C1853276, MONDO:0012355, OMIM 609823.

Submissions (3):

Institute of Human Genetics, FAU Erlangen, Friedrich-Alexander-Universität Erlangen-Nürnberg
Classification: Pathogenic for Autosomal recessive nonsyndromic hearing loss 28. Last evaluated: 2026-02-12. Review status: criteria provided, single submitter. Criteria: Hauer et al. (Genet Med. 2018). Collection method: clinical testing. Allele origin: germline. Inheritance: Autosomal recessive inheritance. Affected: yes. Observed: 2 variant alleles.
Comment: This variant has been identified by standard clinical testing. PM2-supporting, PVS1-very strong, PM3-moderate Selected ACMG criteria: Pathogenic (I):PM3;PM2;PVS1

GeneDx
Classification: Uncertain significance. Last evaluated: 2025-04-30. Review status: criteria provided, single submitter. Criteria: GeneDx Variant Classification Process June 2021. Collection method: clinical testing. Allele origin: germline. Affected: yes.
Comment: Reported with a second variant (phase unknown) in a patient with hearing loss in published literature (PMID: 35982127); Frameshift variant predicted to result in protein truncation or nonsense mediated decay in a gene for which loss of function is a known mechanism of disease; This variant is associated with the following publications: (PMID: 35982127)

Juno Genomics, Hangzhou Juno Genomics, Inc
Classification: Likely pathogenic for Autosomal recessive nonsyndromic hearing loss 28. Review status: criteria provided, single submitter. Criteria: ACMG Guidelines, 2015. Collection method: clinical testing. Allele origin: germline.
Comment: Absent from controls (or at extremely low frequency if recessive) in Genome Aggregation Database.;Null variant in a gene where loss of function (LOF) is a known mechanism of disease.

NM_001039141.3(TRIOBP):c.2932_2956del (p.Ser978fs)

Gene: TRIOBP (TRIO and F-actin binding protein; plus strand). Cytogenetic location: 22q13.1.
Variant type: Deletion.
Coding change: c.2932_2956del on transcript NM_001039141.3 (MANE Select); coding-DNA positions 2932 to 2956, 25 bases deleted (TCTTCCTCCCATAACCCAGGCCACC).
Protein change: p.Ser978fs; shifts the reading frame from serine 978.
Molecular consequence: frameshift variant.
Genome position (GRCh38, 1-based): chr22:37,725,488-37,725,512, TCTTCCTCCCATAACCCAGGCCACC deleted; deleting any 25 consecutive bases within chr22:37,725,481-37,725,512 gives the same sequence; the c. name uses the placement nearest the transcript's 3' end. VCF-style (leftmost placement, unchanged base first): chr22-37725480-GGGCCACCTCTTCCTCCCATAACCCA-G. GRCh37 (hg19) VCF-style: chr22-38121487-GGGCCACCTCTTCCTCCCATAACCCA-G.
Other names: short protein forms S978fs.
Identifiers: ClinVar variation 4527519 (VCV004527519.4).